The following is an entry in ClinVar:

NM_004260.4(RECQL4):c.427C>G (p.Pro143Ala)

Gene: RECQL4 (RecQ like helicase 4; minus strand). Cytogenetic location: 8q24.3.
Variant type: single nucleotide variant.
Coding change: c.427C>G on transcript NM_004260.4 (MANE Select); coding-DNA position 427, C replaced by G.
Protein change: p.Pro143Ala; replaces proline 143 with alanine.
Molecular consequence: missense variant.
Genome position (GRCh38, 1-based): chr8:144,516,692, G>C on the plus strand (C>G on the coding strand, the complement: RECQL4 is on the minus strand). VCF-style: chr8-144516692-G-C. GRCh37 (hg19) VCF-style: chr8-145742076-G-C.
Other names: short protein forms P143A.
Identifiers: ClinVar variation 528993 (VCV000528993.8), dbSNP rs1023001689, ClinGen allele CA187689946.
Genomic context (GRCh38, chr8:144,516,692, plus strand): 5'-GGAGCTGTGGAGGCTCATCACTGACTTTTTCTGCAAAGGAGGGGACAGGCCCTGTACCTG[G>C]GGGCTTTGGGGTGGATGCCTTAGATGAGGCTCTTCCTAGAGGCCACGGTCTGCGGCCCAG-3'
Protein context (NP_004251.4, residues 133-153): ASSKASTPKP[Pro143Ala]GTGPVPSFAE

ClinVar aggregate classification (germline): Uncertain significance. Review status: criteria provided, multiple submitters, no conflicts (2 of 4 stars). 2 submissions from 2 submitters: Uncertain significance (2). Last evaluated 2025-05-08.

Conditions:
Baller-Gerold syndrome (BGS). Also called: CRANIOSYNOSTOSIS WITH RADIAL DEFECTS. Identifiers: Orphanet 1225, MedGen C0265308, MONDO:0009039, OMIM 218600.
Inborn genetic diseases. Identifiers: MedGen C0950123, MeSH D030342.

Allele frequency attached by ClinVar (database versions not stated): gnomAD exomes below 0.00001; gnomAD 0.00001; TOPMed 0.00003.
gnomAD v4.1: 6 of 1,561,650 alleles (0.00038%); highest among the groups gnomAD compares: African/African-American, 0.0055%; no homozygotes.

Submissions (2):

Labcorp Genetics (formerly Invitae), Labcorp
Classification: Uncertain significance for Baller-Gerold syndrome. Last evaluated: 2025-05-08. Review status: criteria provided, single submitter. Criteria: Invitae Variant Classification Sherloc (09022015). Collection method: clinical testing. Allele origin: germline.
Comment: This sequence change replaces proline, which is neutral and non-polar, with alanine, which is neutral and non-polar, at codon 143 of the RECQL4 protein (p.Pro143Ala). This variant is present in population databases (no rsID available, gnomAD 0.007%). This variant has not been reported in the literature in individuals affected with RECQL4-related conditions. ClinVar contains an entry for this variant (Variation ID: 528993). Invitae Evidence Modeling of protein sequence and biophysical properties (such as structural, functional, and spatial information, amino acid conservation, physicochemical variation, residue mobility, and thermodynamic stability) indicates that this missense variant is not expected to disrupt RECQL4 protein function with a negative predictive value of 80%. In summary, the available evidence is currently insufficient to determine the role of this variant in disease. Therefore, it has been classified as a Variant of Uncertain Significance.

Ambry Genetics
Classification: Uncertain significance for Inborn genetic diseases. Last evaluated: 2024-11-26. Review status: criteria provided, single submitter. Criteria: Ambry Variant Classification Scheme 2023. Collection method: clinical testing. Allele origin: germline.
Comment: The p.P143A variant (also known as c.427C>G), located in coding exon 5 of the RECQL4 gene, results from a C to G substitution at nucleotide position 427. The proline at codon 143 is replaced by alanine, an amino acid with highly similar properties. This amino acid position is conserved. In addition, this alteration is predicted to be tolerated by in silico analysis. Based on the available evidence, the clinical significance of this variant remains unclear.